The following is an entry in ClinVar:

NM_021870.3(FGG):c.1273C>A (p.Gln425Lys)

Gene: FGG (fibrinogen gamma chain; minus strand). Cytogenetic location: 4q32.1.
Variant type: single nucleotide variant.
Coding change: c.1273C>A on transcript NM_021870.3 (MANE Select); coding-DNA position 1273, C replaced by A.
Protein change: p.Gln425Lys; replaces glutamine 425 with lysine.
Molecular consequence: missense variant.
Genome position (GRCh38, 1-based): chr4:154,604,923, G>T on the plus strand (C>A on the coding strand, the complement: FGG is on the minus strand). VCF-style: chr4-154604923-G-T. GRCh37 (hg19) VCF-style: chr4-155526075-G-T.
Other names: c.1273C>A, p.Gln425Lys (NM_000509.6); short protein forms Q425K.
Identifiers: ClinVar variation 2884084 (VCV002884084.3), dbSNP rs1036477853, ClinGen allele CA108774381.

ClinVar aggregate classification (germline): Uncertain significance (1 of 4 stars; one submission).

Allele frequency attached by ClinVar (database versions not stated): gnomAD 0.00001; gnomAD exomes 0.00001; TOPMed 0.00001.
gnomAD v4.1: 12 of 1,613,980 alleles (0.00074%); highest among the groups gnomAD compares: African/African-American, 0.0053%; no homozygotes.

Submission:

Labcorp Genetics (formerly Invitae), Labcorp
Classification: Uncertain significance. Last evaluated: 2023-02-27. Review status: criteria provided, single submitter. Criteria: Invitae Variant Classification Sherloc (09022015). Collection method: clinical testing. Allele origin: germline.
Comment: This sequence change replaces glutamine, which is neutral and polar, with lysine, which is basic and polar, at codon 425 of the FGG protein (p.Gln425Lys). In summary, the available evidence is currently insufficient to determine the role of this variant in disease. Therefore, it has been classified as a Variant of Uncertain Significance. An algorithm developed to predict the effect of missense changes on protein structure and function (PolyPhen-2) suggests that this variant is likely to be disruptive. This variant has not been reported in the literature in individuals affected with FGG-related conditions. This variant is present in population databases (no rsID available, gnomAD 0.01%).